The following is an entry in ClinVar:

ClinVar aggregate classification (germline): Pathogenic (1 of 4 stars; one submission).

Conditions:
Hermansky-Pudlak syndrome 3 (HPS3). Identifiers: Orphanet 231512, Orphanet 79430, MedGen C3888001, MONDO:0013555, OMIM 614072.

Submission:

Myriad Genetics, Inc.
Classification: Pathogenic for Hermansky-Pudlak syndrome 3. Last evaluated: 2024-05-14. Review status: criteria provided, single submitter. Criteria: Myriad Autosomal Dominant, Autosomal Recessive and X-Linked Classification Criteria (2023). Collection method: clinical testing. Allele origin: unknown.
Comment: NM_032383.3(HPS3):c.2353C>T(Q785*) is expected to be pathogenic in the context of Hermansky-Pudlak syndrome, HPS3-related. This variant is predicted to lead to an abnormal or absent protein product due to the creation of a premature termination codon in HPS3, a gene where loss-of-function variants are known to be pathogenic. Please note: this variant was assessed in the context of healthy population screening.

NM_032383.5(HPS3):c.2353C>T (p.Gln785Ter)

Genes: CP (ceruloplasmin; minus strand), HPS3 (HPS3 biogenesis of lysosomal organelles complex 2 subunit 1; plus strand). Cytogenetic location: 3q24.
Variant type: single nucleotide variant.
Coding change: c.2353C>T on transcript NM_032383.5 (MANE Select); coding-DNA position 2353, C replaced by T.
Protein change: p.Gln785Ter; replaces glutamine 785 with a stop codon.
Molecular consequence: nonsense. On other transcripts: non-coding transcript variant (1).
Genome position (GRCh38, 1-based): chr3:149,162,750, C>T. VCF-style: chr3-149162750-C-T. GRCh37 (hg19) VCF-style: chr3-148880537-C-T.
Other names: c.1858C>T, p.Gln620Ter (NM_001308258.2); short protein forms Q620*, Q785*.
Identifiers: ClinVar variation 5015064 (VCV005015064.1).